The following is an entry in ClinVar:

ClinVar aggregate classification (germline): Uncertain significance (1 of 4 stars; one submission).

Submission:

GeneDx
Classification: Uncertain significance. Last evaluated: 2019-07-02. Review status: criteria provided, single submitter. Criteria: GeneDx Variant Classification Process June 2021. Collection method: clinical testing. Allele origin: germline. Affected: yes.
Comment: Has not been previously published as pathogenic or benign to our knowledge; Not observed in large population cohorts (Lek et al., 2016); In silico analysis, which includes protein predictors and evolutionary conservation, supports that this variant does not alter protein structure/function

NM_006516.4(SLC2A1):c.232A>G (p.Ile78Val)

Gene: SLC2A1 (solute carrier family 2 member 1; minus strand). Cytogenetic location: 1p34.2.
Variant type: single nucleotide variant.
Coding change: c.232A>G on transcript NM_006516.4 (MANE Select); coding-DNA position 232, A replaced by G.
Protein change: p.Ile78Val; replaces isoleucine 78 with valine.
Molecular consequence: missense variant.
Genome position (GRCh38, 1-based): chr1:42,931,089, T>C on the plus strand (A>G on the coding strand, the complement: SLC2A1 is on the minus strand). VCF-style: chr1-42931089-T-C. GRCh37 (hg19) VCF-style: chr1-43396760-T-C.
Other names: short protein forms I78V.
Identifiers: ClinVar variation 1306428 (VCV001306428.2), dbSNP rs2124450778, ClinGen allele CA339961805.